The following is an entry in ClinVar:

NM_001363711.2(DUOX2):c.3033C>A (p.Tyr1011Ter)

Gene: DUOX2 (dual oxidase 2; minus strand). Cytogenetic location: 15q21.1.
Variant type: single nucleotide variant.
Coding change: c.3033C>A on transcript NM_001363711.2 (MANE Select); coding-DNA position 3033, C replaced by A.
Protein change: p.Tyr1011Ter; replaces tyrosine 1011 with a stop codon.
Molecular consequence: nonsense.
Genome position (GRCh38, 1-based): chr15:45,100,201, G>T on the plus strand (C>A on the coding strand, the complement: DUOX2 is on the minus strand). VCF-style: chr15-45100201-G-T. GRCh37 (hg19) VCF-style: chr15-45392399-G-T.
Other names: c.3033C>A, p.Tyr1011Ter (NM_014080.5); short protein forms Y1011*.
Identifiers: ClinVar variation 1339190 (VCV001339190.5), dbSNP rs765438725, ClinGen allele CA7538035.

ClinVar aggregate classification (germline): Pathogenic/Likely pathogenic. Review status: criteria provided, multiple submitters, no conflicts (2 of 4 stars). 2 submissions from 2 submitters: Pathogenic (1); Likely pathogenic (1). Last evaluated 2023-12-23.

Conditions:
Thyroid dyshormonogenesis 6 (TDH6). Also called: THYROID HORMONOGENESIS, GENETIC DEFECT IN, 6; HYPOTHYROIDISM, CONGENITAL, DUE TO DYSHORMONOGENESIS, 6; Genetic transient congenital hypothyroidism. Identifiers: Orphanet 226316, Orphanet 95716, MedGen C1846632, MONDO:0011792, OMIM 607200.

Allele frequency attached by ClinVar (database versions not stated): ExAC 0.00001.
gnomAD v4.1: 2 of 1,614,008 alleles (0.00012%); highest among the groups gnomAD compares: South Asian, 0.0022%; no homozygotes.

Submissions (2):

Labcorp Genetics (formerly Invitae), Labcorp
Classification: Pathogenic. Last evaluated: 2023-12-23. Review status: criteria provided, single submitter. Criteria: Invitae Variant Classification Sherloc (09022015). Collection method: clinical testing. Allele origin: germline.
Comment: This sequence change creates a premature translational stop signal (p.Tyr1011*) in the DUOX2 gene. It is expected to result in an absent or disrupted protein product. Loss-of-function variants in DUOX2 are known to be pathogenic (PMID: 12110737, 18765513, 21565790, 24423310, 24735383). This variant is present in population databases (rs765438725, gnomAD 0.003%). This variant has not been reported in the literature in individuals affected with DUOX2-related conditions. ClinVar contains an entry for this variant (Variation ID: 1339190). For these reasons, this variant has been classified as Pathogenic.

Neuberg Centre For Genomic Medicine, NCGM
Classification: Likely pathogenic for Thyroid dyshormonogenesis 6. Review status: criteria provided, single submitter. Criteria: ACMG Guidelines, 2015. Collection method: clinical testing. Allele origin: germline. Affected: yes.
Comment: The stop gained p.Y1011* in DUOX2 (NM_001363711.2) has not been reported previously as a pathogenic variant nor as a benign variant, to our knowledge. The p.Y1011* variant is novel (not in any individuals) in gnomAD Exomes and is novel (not in any individuals) in 1000 Genomes. This variant is predicted to cause loss of normal protein function through protein truncation. For these reasons, this variant has been classified as Likely Pathogenic.

Literature cited by the submitters: PubMed 12110737 (cited by Labcorp Genetics (formerly Invitae), Labcorp); PubMed 18765513 (cited by Labcorp Genetics (formerly Invitae), Labcorp); PubMed 21565790 (cited by Labcorp Genetics (formerly Invitae), Labcorp); PubMed 24423310 (cited by Labcorp Genetics (formerly Invitae), Labcorp); PubMed 24735383 (cited by Labcorp Genetics (formerly Invitae), Labcorp).